The following is an entry in ClinVar:

ClinVar aggregate classification (germline): Likely benign (1 of 4 stars; one submission).

gnomAD v4.1: 29 of 1,581,430 alleles (0.0018%); highest among the groups gnomAD compares: Middle Eastern, 0.083%; no homozygotes.

Submission:

CeGaT Center for Human Genetics Tuebingen
Classification: Likely benign. Last evaluated: 2024-09-01. Review status: criteria provided, single submitter. Criteria: CeGaT Center For Human Genetics Tuebingen Variant Classification Criteria Version 2. Collection method: clinical testing. Allele origin: germline. Affected: yes. Observed: 1 variant allele.
Comment: JARID2: BP4, BP7

NM_004973.4(JARID2):c.1872C>T (p.Asn624=)

Gene: JARID2 (jumonji and AT-rich interaction domain containing 2; plus strand). Cytogenetic location: 6p22.3.
Variant type: single nucleotide variant.
Coding change: c.1872C>T on transcript NM_004973.4 (MANE Select); coding-DNA position 1872, C replaced by T.
Protein change: p.Asn624=; no amino-acid change (asparagine 624 retained).
Molecular consequence: synonymous variant.
Genome position (GRCh38, 1-based): chr6:15,497,097, C>T. VCF-style: chr6-15497097-C-T. GRCh37 (hg19) VCF-style: chr6-15497328-C-T.
Other names: c.1356C>T, p.Asn452= (NM_001267040.1).
Identifiers: ClinVar variation 3388411 (VCV003388411.14).